The following is an entry in ClinVar:

NM_002691.4(POLD1):c.2884C>T (p.Leu962=)

Gene: POLD1 (DNA polymerase delta 1, catalytic subunit; plus strand). Cytogenetic location: 19q13.33.
Variant type: single nucleotide variant.
Coding change: c.2884C>T on transcript NM_002691.4 (MANE Select); coding-DNA position 2884, C replaced by T.
Protein change: p.Leu962=; no amino-acid change (leucine 962 retained).
Molecular consequence: synonymous variant. On other transcripts: non-coding transcript variant (1).
Genome position (GRCh38, 1-based): chr19:50,416,459, C>T. VCF-style: chr19-50416459-C-T. GRCh37 (hg19) VCF-style: chr19-50919716-C-T.
Other names: c.2884C>T, p.Leu962= (NM_001256849.1); c.2962C>T, p.Leu988= (NM_001308632.1).
Identifiers: ClinVar variation 757788 (VCV000757788.12), dbSNP rs1601246415, ClinGen allele CA508305327.
Genomic context (GRCh38, chr19:50,416,459, plus strand): 5'-CCGCTGTTCGTGCTGGAGCACAGCCTGCCCATTGACACGCAGTACTACCTGGAGCAGCAG[C>T]TGGCCAAGCCCCTCCTGCGCATCTTCGAGCCCATCCTGGGCGAGGGCCGTGCCGAGGCTG-3'
Protein context (NP_002682.2, residues 952-972): IDTQYYLEQQ[Leu962=]AKPLLRIFEP

ClinVar aggregate classification (germline): Conflicting classifications of pathogenicity. Review status: criteria provided, conflicting classifications (1 of 4 stars). 2 submissions from 2 submitters: Uncertain significance (1); Likely benign (1). Last evaluated 2022-08-31.

Conditions:
POLD1-related polyposis and colorectal cancer syndrome (CRCS10). Also called: Colorectal cancer, susceptibility to, 10; Colorectal cancer 10; COLORECTAL CANCER, SUSCEPTIBILITY TO, ON CHROMOSOME 19q. Identifiers: Orphanet 220460, MedGen C2675481, MONDO:0012953, OMIM 612591.

Submissions (2):

Labcorp Genetics (formerly Invitae), Labcorp
Classification: Likely benign for POLD1-related polyposis and colorectal cancer syndrome. Last evaluated: 2022-08-31. Review status: criteria provided, single submitter. Criteria: Invitae Variant Classification Sherloc (09022015). Collection method: clinical testing. Allele origin: germline.

GeneDx
Classification: Uncertain significance. Last evaluated: 2020-03-02. Review status: criteria provided, single submitter. Criteria: GeneDx Variant Classification Process June 2021. Collection method: clinical testing. Allele origin: germline. Affected: yes.
Comment: Not observed in large population cohorts (Lek et al., 2016); In silico analysis supports that this variant does not alter splicing; Has not been previously published as pathogenic or benign to our knowledge